The following is an entry in ClinVar:

ClinVar aggregate classification (germline): Uncertain significance (1 of 4 stars; one submission).

Conditions:
Autosomal dominant childhood-onset proximal spinal muscular atrophy with contractures (SMALED2A). Also called: SPINAL MUSCULAR ATROPHY, LOWER EXTREMITY-PREDOMINANT, 2A, CHILDHOOD ONSET, AUTOSOMAL DOMINANT; Spinal muscular atrophy, lower extremity-predominant, 2A, autosomal dominant. Identifiers: Orphanet 363447, Orphanet 363454, MedGen C4747715, MONDO:0014121, OMIM 615290.

Allele frequency attached by ClinVar (database versions not stated): gnomAD exomes below 0.00001.
gnomAD v4.1: 1 of 1,614,158 alleles (0.000062%); highest among the groups gnomAD compares: African/African-American, 0.0013%; no homozygotes.

Submission:

Labcorp Genetics (formerly Invitae), Labcorp
Classification: Uncertain significance for Autosomal dominant childhood-onset proximal spinal muscular atrophy with contractures. Last evaluated: 2022-08-27. Review status: criteria provided, single submitter. Criteria: Invitae Variant Classification Sherloc (09022015). Collection method: clinical testing. Allele origin: germline.
Comment: In summary, the available evidence is currently insufficient to determine the role of this variant in disease. Therefore, it has been classified as a Variant of Uncertain Significance. Advanced modeling of protein sequence and biophysical properties (such as structural, functional, and spatial information, amino acid conservation, physicochemical variation, residue mobility, and thermodynamic stability) performed at Invitae indicates that this missense variant is not expected to disrupt BICD2 protein function. This variant has not been reported in the literature in individuals affected with BICD2-related conditions. This variant is not present in population databases (gnomAD no frequency). This sequence change replaces alanine, which is neutral and non-polar, with threonine, which is neutral and polar, at codon 85 of the BICD2 protein (p.Ala85Thr).

NM_001003800.2(BICD2):c.253G>A (p.Ala85Thr)

Gene: BICD2 (BICD cargo adaptor 2; minus strand). Cytogenetic location: 9q22.31.
Variant type: single nucleotide variant.
Coding change: c.253G>A on transcript NM_001003800.2 (MANE Select); coding-DNA position 253, G replaced by A.
Protein change: p.Ala85Thr; replaces alanine 85 with threonine.
Molecular consequence: missense variant.
Genome position (GRCh38, 1-based): chr9:92,729,224, C>T on the plus strand (G>A on the coding strand, the complement: BICD2 is on the minus strand). VCF-style: chr9-92729224-C-T. GRCh37 (hg19) VCF-style: chr9-95491506-C-T.
Other names: c.253G>A, p.Ala85Thr (NM_015250.4); short protein forms A85T.
Identifiers: ClinVar variation 1718097 (VCV001718097.6), dbSNP rs2490476576, ClinGen allele CA374027372.
Genomic context (GRCh38, chr9:92,729,224, plus strand): 5'-GGATCAGGCTCTCCTCCCGGCTCTCTCCGTCAGCAGCCACCTTCTTGTGGTTTGTGTGTG[C>T]TTGTCCAAAGGCCTGCATCAGAAGACAAGACACTCGTGAGGTGGGCCTCCCAGGGGCGCC-3'
Protein context (NP_001003800.1, residues 75-95): MEQLKEAFGQ[Ala85Thr]HTNHKKVAAD